The following is an entry in ClinVar:

NM_001369.3(DNAH5):c.7943C>T (p.Ala2648Val)

Gene: DNAH5 (dynein axonemal heavy chain 5; minus strand). Cytogenetic location: 5p15.2.
Variant type: single nucleotide variant.
Coding change: c.7943C>T on transcript NM_001369.3 (MANE Select); coding-DNA position 7943, C replaced by T.
Protein change: p.Ala2648Val; replaces alanine 2648 with valine.
Molecular consequence: missense variant.
Genome position (GRCh38, 1-based): chr5:13,794,003, G>A on the plus strand (C>T on the coding strand, the complement: DNAH5 is on the minus strand). VCF-style: chr5-13794003-G-A. GRCh37 (hg19) VCF-style: chr5-13794112-G-A.
Other names: short protein forms A2648V.
Identifiers: ClinVar variation 407213 (VCV000407213.15), dbSNP rs201939338, ClinGen allele CA3202947.

ClinVar aggregate classification (germline): Conflicting classifications of pathogenicity. Review status: criteria provided, conflicting classifications (1 of 4 stars). 5 submissions from 5 submitters: Uncertain significance (3); Likely benign (1). 1 of the submissions does not count toward it. Last evaluated 2025-08-13.

Conditions:
Primary ciliary dyskinesia. Also called: Ciliary dyskinesia. Identifiers: Orphanet 244, MedGen C0008780, MONDO:0016575, HP:0012265.
Primary ciliary dyskinesia 3. Identifiers: Orphanet 244, MedGen C1837618, MONDO:0012085, OMIM 608644.

Allele frequency attached by ClinVar (database versions not stated): ExAC 0.00005; gnomAD exomes 0.00007; ESP Exome Variant Server 0.00008; gnomAD 0.00012; TOPMed 0.00014.
gnomAD v4.1: 160 of 1,613,750 alleles (0.0099%); highest among the groups gnomAD compares: Middle Eastern, 0.033%; no homozygotes.

Submissions (5):

Labcorp Genetics (formerly Invitae), Labcorp
Classification: Likely benign for Primary ciliary dyskinesia. Last evaluated: 2025-08-13. Review status: criteria provided, single submitter. Criteria: Invitae Variant Classification Sherloc (09022015). Collection method: clinical testing. Allele origin: germline.

Blueprint Genetics
Classification: Uncertain significance. Last evaluated: 2024-10-24. Review status: criteria provided, single submitter. Criteria: ACMG Guidelines, 2015. Collection method: clinical testing. Allele origin: germline.

Ambry Genetics
Classification: Uncertain significance for Primary ciliary dyskinesia. Last evaluated: 2024-01-11. Review status: criteria provided, single submitter. Criteria: Ambry Variant Classification Scheme 2023. Collection method: clinical testing. Allele origin: germline.
Comment: The p.A2648V variant (also known as c.7943C>T), located in coding exon 48 of the DNAH5 gene, results from a C to T substitution at nucleotide position 7943. The alanine at codon 2648 is replaced by valine, an amino acid with similar properties. This amino acid position is highly conserved in available vertebrate species. In addition, this alteration is predicted to be tolerated by in silico analysis. Since supporting evidence is limited at this time, the clinical significance of this alteration remains unclear.

Illumina Laboratory Services, Illumina
Classification: Uncertain significance for Primary ciliary dyskinesia 3. Last evaluated: 2018-01-12. Review status: criteria provided, single submitter. Criteria: ICSL Variant Classification Criteria 13 December 2019. Collection method: clinical testing. Allele origin: germline.

Natera, Inc.
Classification: Uncertain significance for Primary ciliary dyskinesia. Last evaluated: 2019-10-28. Review status: no assertion criteria provided. Collection method: clinical testing. Allele origin: germline. Not counted in ClinVar's aggregate classification.